The following is an entry in ClinVar:

NM_003482.4(KMT2D):c.13457A>G (p.Glu4486Gly)

Gene: KMT2D (lysine methyltransferase 2D; minus strand). Cytogenetic location: 12q13.12.
Variant type: single nucleotide variant.
Coding change: c.13457A>G on transcript NM_003482.4 (MANE Select); coding-DNA position 13457, A replaced by G.
Protein change: p.Glu4486Gly; replaces glutamic acid 4486 with glycine.
Molecular consequence: missense variant.
Genome position (GRCh38, 1-based): chr12:49,031,248, T>C on the plus strand (A>G on the coding strand, the complement: KMT2D is on the minus strand). VCF-style: chr12-49031248-T-C. GRCh37 (hg19) VCF-style: chr12-49425031-T-C.
Other names: short protein forms E4486G.
Identifiers: ClinVar variation 1915909 (VCV001915909.5), dbSNP rs886049473, ClinGen allele CA10637635.

ClinVar aggregate classification (germline): Uncertain significance (1 of 4 stars; one submission).

Conditions:
Kabuki syndrome. Also called: Kabuki make-up syndrome; NIIKAWA-KUROKI SYNDROME. Identifiers: Orphanet 2322, MedGen C0796004, MONDO:0016512.

Allele frequency attached by ClinVar (database versions not stated): gnomAD exomes below 0.00001.
gnomAD v4.1: 5 of 1,613,130 alleles (0.00031%); highest among the groups gnomAD compares: Non-Finnish European, 0.00034%; no homozygotes.

Submission:

Labcorp Genetics (formerly Invitae), Labcorp
Classification: Uncertain significance for Kabuki syndrome. Last evaluated: 2025-11-09. Review status: criteria provided, single submitter. Criteria: Invitae Variant Classification Sherloc (09022015). Collection method: clinical testing. Allele origin: germline.
Comment: This sequence change replaces glutamic acid, which is acidic and polar, with glycine, which is neutral and non-polar, at codon 4486 of the KMT2D protein (p.Glu4486Gly). This variant is not present in population databases (gnomAD no frequency). This variant has not been reported in the literature in individuals affected with KMT2D-related conditions. ClinVar contains an entry for this variant (Variation ID: 1915909). Invitae Evidence Modeling of protein sequence and biophysical properties (such as structural, functional, and spatial information, amino acid conservation, physicochemical variation, residue mobility, and thermodynamic stability) indicates that this missense variant is not expected to disrupt KMT2D protein function with a negative predictive value of 95%. In summary, the available evidence is currently insufficient to determine the role of this variant in disease. Therefore, it has been classified as a Variant of Uncertain Significance.